The following is an entry in ClinVar:

ClinVar aggregate classification (germline): Pathogenic (1 of 4 stars; one submission).

Conditions:
Baller-Gerold syndrome (BGS). Also called: CRANIOSYNOSTOSIS WITH RADIAL DEFECTS. Identifiers: Orphanet 1225, MedGen C0265308, MONDO:0009039, OMIM 218600.

Submission:

Labcorp Genetics (formerly Invitae), Labcorp
Classification: Pathogenic for Baller-Gerold syndrome. Last evaluated: 2022-07-31. Review status: criteria provided, single submitter. Criteria: Invitae Variant Classification Sherloc (09022015). Collection method: clinical testing. Allele origin: germline.
Comment: This sequence change creates a premature translational stop signal (p.Asp1042Alafs*2) in the RECQL4 gene. It is expected to result in an absent or disrupted protein product. Loss-of-function variants in RECQL4 are known to be pathogenic (PMID: 12734318, 12952869). This variant is not present in population databases (gnomAD no frequency). This variant has not been reported in the literature in individuals affected with RECQL4-related conditions. For these reasons, this variant has been classified as Pathogenic.

Literature cited by the submitters: PubMed 12734318; PubMed 12952869.

NM_004260.4(RECQL4):c.3125del (p.Asp1042fs)

Gene: RECQL4 (RecQ like helicase 4; minus strand). Cytogenetic location: 8q24.3.
Variant type: Deletion.
Coding change: c.3125del on transcript NM_004260.4 (MANE Select); coding-DNA position 3125, one base deleted (A; older notation c.3125delA).
Protein change: p.Asp1042fs; shifts the reading frame from aspartic acid 1042.
Molecular consequence: frameshift variant.
Genome position (GRCh38, 1-based): chr8:144,512,255, T deleted on the plus strand (A on the coding strand, the reverse complement: RECQL4 is on the minus strand). VCF-style (leftmost placement, unchanged base first): chr8-144512254-GT-G. GRCh37 (hg19) VCF-style: chr8-145737637-GT-G.
Other names: c.2831delA, p.Asp944Alafs (NM_001413017.1); c.2927delA, p.Asp976Alafs (NM_001413018.1); c.3200delA, p.Asp1067Alafs (NM_001413019.1); c.3029delA, p.Asp1010Alafs (NM_001413020.1); c.2054delA, p.Asp685Alafs (NM_001413021.1, NM_001413022.1, NM_001413024.1 and 4 more transcripts); c.2129delA, p.Asp710Alafs (NM_001413023.1); c.2996delA, p.Asp999Alafs (NM_001413025.1); c.1988delA, p.Asp663Alafs (NM_001413027.1, NM_001413030.1, NM_001413032.1); and 9 more; short protein forms D1042fs.
Identifiers: ClinVar variation 2020899 (VCV002020899.4), dbSNP rs2537980228, ClinGen allele CA2580078809.